The following is an entry in ClinVar:

ClinVar aggregate classification (germline): Benign. Review status: criteria provided, single submitter (1 of 4 stars). 2 submissions from 2 submitters: Benign (1). 1 of the submissions does not count toward it. Last evaluated 2025-12-23.

Conditions:
MGP-related disorder. Also called: MGP-related condition.

Submissions (2):

Labcorp Genetics (formerly Invitae), Labcorp
Classification: Benign. Last evaluated: 2025-12-23. Review status: criteria provided, single submitter. Criteria: Invitae Variant Classification Sherloc (09022015). Collection method: clinical testing. Allele origin: germline.

PreventionGenetics, part of Exact Sciences
Classification: Likely benign for MGP-related condition. Last evaluated: 2019-09-24. Review status: no assertion criteria provided. Collection method: clinical testing. Allele origin: germline. Not counted in ClinVar's aggregate classification.
Comment: This variant is classified as likely benign based on ACMG/AMP sequence variant interpretation guidelines (Richards et al. 2015 PMID: 25741868, with internal and published modifications).

NM_000900.5(MGP):c.62-10_62-9dup

Gene: MGP (matrix Gla protein; minus strand). Cytogenetic location: 12p12.3.
Variant type: Duplication.
Coding change: c.62-10_62-9dup on transcript NM_000900.5 (MANE Select); 10 bases into the intron before coding-DNA position 62 through 9 bases into the intron before coding-DNA position 62, 2 bases duplicated (TT; older notation c.62-10_62-9dupTT).
Molecular consequence: intron variant.
Genome position (GRCh38, 1-based): chr12:14,884,254-14,884,255, AA duplicated on the plus strand (TT on the coding strand, the reverse complement: MGP is on the minus strand); duplicating any 2 consecutive bases within chr12:14,884,254-14,884,263 gives the same sequence; the c. name uses the placement nearest the transcript's 3' end. VCF-style (leftmost placement, unchanged base first): chr12-14884253-T-TAA. GRCh37 (hg19) VCF-style: chr12-15037187-T-TAA.
Other names: c.137-10_137-9dup (NM_001190839.3); c.62-10_62-9dupTT (NM_000900.4).
Identifiers: ClinVar variation 1551039 (VCV001551039.10), dbSNP rs11393307, ClinGen allele CA6465201.